The following is an entry in ClinVar:

NM_022836.4(DCLRE1B):c.1375C>G (p.Pro459Ala)

Gene: DCLRE1B (DNA cross-link repair 1B; plus strand). Cytogenetic location: 1p13.2.
Variant type: single nucleotide variant.
Coding change: c.1375C>G on transcript NM_022836.4 (MANE Select); coding-DNA position 1375, C replaced by G.
Protein change: p.Pro459Ala; replaces proline 459 with alanine.
Molecular consequence: missense variant. On other transcripts: intron variant (2).
Genome position (GRCh38, 1-based): chr1:113,911,967, C>G. VCF-style: chr1-113911967-C-G. GRCh37 (hg19) VCF-style: chr1-114454589-C-G.
Other names: c.997C>G, p.Pro333Ala (NM_001319946.2, NM_001319947.2); c.1246+129C>G (NM_001363690.2); c.868+129C>G (NM_001363691.2); short protein forms P333A, P459A.
Identifiers: ClinVar variation 835619 (VCV000835619.6), dbSNP rs200134441, ClinGen allele CA1016575.
Genomic context (GRCh38, chr1:113,911,967, plus strand): 5'-GATGAGGAGTTTATTTCTCAAAAAACCAGGGAGGAAATTGGTTTAGGGTCCCCCTTGGTA[C>G]CCATGGGAGATGATGATGGAGGTCCAGAAGCCACAGGGAATCAGAGTGCCTGGATGGGCC-3'
Protein context (NP_073747.1, residues 449-469): EEIGLGSPLV[Pro459Ala]MGDDDGGPEA

ClinVar aggregate classification (germline): Uncertain significance (1 of 4 stars; one submission).

Conditions:
Autosomal recessive dyskeratosis congenita. Identifiers: MedGen C3502105.
Hoyeraal-Hreidarsson syndrome (HHS). Also called: CEREBELLAR HYPOPLASIA WITH PANCYTOPENIA. Identifiers: Orphanet 3322, MedGen C1846142, MONDO:0018045.

Allele frequency attached by ClinVar (database versions not stated): gnomAD 0.00006 and 0.00013; ExAC 0.00010; gnomAD exomes 0.00010; TOPMed 0.00012; 1000 Genomes Project 30x 0.00062; 1000 Genomes Project 0.00080.
gnomAD v4.1: 270 of 1,614,186 alleles (0.017%); highest among the groups gnomAD compares: East Asian, 0.55%; 6 homozygotes.

Submission:

Labcorp Genetics (formerly Invitae), Labcorp
Classification: Uncertain significance for Hoyeraal-Hreidarsson syndrome; Autosomal recessive dyskeratosis congenita. Last evaluated: 2021-09-01. Review status: criteria provided, single submitter. Criteria: Invitae Variant Classification Sherloc (09022015). Collection method: clinical testing. Allele origin: germline.
Comment: This sequence change replaces proline with alanine at codon 459 of the DCLRE1B protein (p.Pro459Ala). The proline residue is weakly conserved and there is a small physicochemical difference between proline and alanine. This variant is present in population databases (rs200134441, ExAC 0.1%). This variant has not been reported in the literature in individuals affected with DCLRE1B-related conditions. Algorithms developed to predict the effect of missense changes on protein structure and function (SIFT, PolyPhen-2, Align-GVGD) all suggest that this variant is likely to be tolerated. Algorithms developed to predict the effect of sequence changes on RNA splicing suggest that this variant may create or strengthen a splice site. In summary, the available evidence is currently insufficient to determine the role of this variant in disease. Therefore, it has been classified as a Variant of Uncertain Significance.